The following is an entry in ClinVar:

ClinVar aggregate classification (germline): Pathogenic. Review status: criteria provided, multiple submitters, no conflicts (2 of 4 stars). 2 submissions from 2 submitters: Pathogenic (2). Last evaluated 2025-11-25.

Conditions:
Retinal disorder. Also called: Retinopathy; Retinal disorders; Retinopathies; Retinal Diseases. Identifiers: MedGen C0035309, MONDO:0005283, HP:0000488.

Submissions (2):

Genetics Laboratory, Great Ormond Street Hospital NHS Foundation Trust, North Thames Genomic Laboratory Hub
Classification: Pathogenic for Retinal disorders. Last evaluated: 2025-11-25. Review status: criteria provided, single submitter. Criteria: ACGS Best Practice Guidelines for Variant Classification in Rare Disease 2024 v1.2. Collection method: clinical testing. Allele origin: germline. Affected: yes.
Comment: PM2_moderate, PVS1_very-strong

Labcorp Genetics (formerly Invitae), Labcorp
Classification: Pathogenic. Last evaluated: 2023-02-01. Review status: criteria provided, single submitter. Criteria: Invitae Variant Classification Sherloc (09022015). Collection method: clinical testing. Allele origin: germline.
Comment: For these reasons, this variant has been classified as Pathogenic. This variant is also known as 796-799delCAGA. This premature translational stop signal has been observed in individual(s) with retinitis pigmentosa (PMID: 10862093). This variant is not present in population databases (gnomAD no frequency). This sequence change creates a premature translational stop signal (p.Thr267Argfs*5) in the RP2 gene. It is expected to result in an absent or disrupted protein product. Loss-of-function variants in RP2 are known to be pathogenic (PMID: 11992260, 20625056).

Literature cited by the submitters: PubMed 10862093 (cited by Labcorp Genetics (formerly Invitae), Labcorp); PubMed 11992260 (cited by Labcorp Genetics (formerly Invitae), Labcorp); PubMed 20625056 (cited by Labcorp Genetics (formerly Invitae), Labcorp).

NM_006915.3(RP2):c.798_801del (p.Thr267fs)

Gene: RP2 (RP2 activator of ARL3 GTPase; plus strand). Cytogenetic location: Xp11.3.
Variant type: Deletion.
Coding change: c.798_801del on transcript NM_006915.3 (MANE Select); coding-DNA positions 798 to 801, 4 bases deleted (GACA; older notation c.798_801delGACA).
Protein change: p.Thr267fs; shifts the reading frame from threonine 267.
Molecular consequence: frameshift variant.
Genome position (GRCh38, 1-based): chrX:46,860,017-46,860,020, GACA deleted; deleting any 4 consecutive bases within chrX:46,860,015-46,860,020 gives the same sequence; the c. name uses the placement nearest the transcript's 3' end. VCF-style (leftmost placement, unchanged base first): chrX-46860014-TCAGA-T. GRCh37 (hg19) VCF-style: chrX-46719449-TCAGA-T.
Other names: short protein forms T267fs.
Identifiers: ClinVar variation 2737219 (VCV002737219.4), dbSNP rs2519918569, ClinGen allele CA2695233542.
Genomic context (GRCh38, chrX:46,860,014, plus strand): 5'-ATTTTAAAATCTCAATGAAATTTTATTTTCACAGATGGTTGGTAAAGGCTTTTTCCTAGT[TCAGA>T]CAAAGGAAGTGTCCATGAAAGCTGAGGATGCTCAAAGGGTTTTTCGGGAAAAAGCACCTG-3'